The following is an entry in ClinVar:

ClinVar aggregate classification (germline): Likely benign. Review status: criteria provided, multiple submitters, no conflicts (2 of 4 stars). 2 submissions from 2 submitters: Likely benign (2). Last evaluated 2025-12-01.

gnomAD v4.1: 57 of 1,600,104 alleles (0.0036%); highest among the groups gnomAD compares: Non-Finnish European, 0.0047%; no homozygotes.

Submissions (2):

Women's Health and Genetics/Laboratory Corporation of America, LabCorp
Classification: Likely benign. Last evaluated: 2025-12-01. Review status: criteria provided, single submitter. Criteria: LabCorp Variant Classification Summary - May 2015. Collection method: clinical testing. Allele origin: germline.
Comment: Variant summary: HIVEP2 c.6510G>A alters a conserved nucleotide resulting in a synonymous change. Consensus agreement among computation tools predict no significant impact on normal splicing. However, these predictions have yet to be confirmed by functional studies. The variant allele was found at a frequency of 1.3e-05 in 236602 control chromosomes. The available data on variant occurrences in the general population are insufficient to allow any conclusion about variant significance. To our knowledge, no occurrence of c.6510G>A in individuals affected with HIVEP2-related conditions and no experimental evidence demonstrating its impact on protein function have been reported. No submitters have cited clinical-significance assessments for this variant to ClinVar. Based on the evidence outlined above, the variant was classified as likely benign.

Blueprint Genetics
Classification: Likely benign. Last evaluated: 2021-01-11. Review status: criteria provided, single submitter. Criteria: ACMG Guidelines, 2015. Collection method: clinical testing. Allele origin: germline.

NM_006734.4(HIVEP2):c.6510G>A (p.Gly2170=)

Gene: HIVEP2 (HIVEP zinc finger 2; minus strand). Cytogenetic location: 6q24.2.
Variant type: single nucleotide variant.
Coding change: c.6510G>A on transcript NM_006734.4 (MANE Select); coding-DNA position 6510, G replaced by A.
Protein change: p.Gly2170=; no amino-acid change (glycine 2170 retained).
Molecular consequence: synonymous variant.
Genome position (GRCh38, 1-based): chr6:142,759,778, C>T on the plus strand (G>A on the coding strand, the complement: HIVEP2 is on the minus strand). VCF-style: chr6-142759778-C-T. GRCh37 (hg19) VCF-style: chr6-143080915-C-T.
Other names: c.6510G>A, p.Gly2170= (NM_001438449.1, NM_001438450.1, NM_001438451.1).
Identifiers: ClinVar variation 4688674 (VCV004688674.2).